The following is an entry in ClinVar:

NM_003036.4(SKI):c.727G>A (p.Ala243Thr)

Gene: SKI (SKI proto-oncogene; plus strand). Cytogenetic location: 1p36.33.
Variant type: single nucleotide variant.
Coding change: c.727G>A on transcript NM_003036.4 (MANE Select); coding-DNA position 727, G replaced by A.
Protein change: p.Ala243Thr; replaces alanine 243 with threonine.
Molecular consequence: missense variant.
Genome position (GRCh38, 1-based): chr1:2,229,493, G>A. VCF-style: chr1-2229493-G-A. GRCh37 (hg19) VCF-style: chr1-2160932-G-A.
Other names: short protein forms A243T.
Identifiers: ClinVar variation 1804303 (VCV001804303.2), dbSNP rs2527579236, ClinGen allele CA337954910.

ClinVar aggregate classification (germline): Uncertain significance (1 of 4 stars; one submission).

Submission:

GeneDx
Classification: Uncertain significance. Last evaluated: 2024-10-08. Review status: criteria provided, single submitter. Criteria: GeneDx Variant Classification Process June 2021. Collection method: clinical testing. Allele origin: germline.
Comment: Not observed at significant frequency in large population cohorts (gnomAD); In silico analysis indicates that this missense variant does not alter protein structure/function; Has not been previously published as pathogenic or benign to our knowledge